The following is an entry in ClinVar:

ClinVar aggregate classification (germline): Pathogenic (1 of 4 stars; one submission).

Submission:

Labcorp Genetics (formerly Invitae), Labcorp
Classification: Pathogenic. Last evaluated: 2025-09-16. Review status: criteria provided, single submitter. Criteria: Invitae Variant Classification Sherloc (09022015). Collection method: clinical testing. Allele origin: germline.
Comment: This sequence change creates a premature translational stop signal (p.Ile372Thrfs*3) in the COCH gene. It is expected to result in an absent or disrupted protein product. Loss-of-function variants in COCH are known to be pathogenic (PMID: 29449721, 31126177). This variant is not present in population databases (gnomAD no frequency). This variant has not been reported in the literature in individuals affected with COCH-related conditions. Algorithms developed to predict the effect of sequence changes on RNA splicing suggest that this variant may disrupt the consensus splice site. For these reasons, this variant has been classified as Pathogenic.

Literature cited by the submitters: PubMed 29449721; PubMed 31126177.

NM_004086.3(COCH):c.1111_1114dup (p.Ile372fs)

Genes: COCH (cochlin; plus strand), COCH-AS1 (COCH antisense RNA 1; minus strand). Cytogenetic location: 14q12.
Variant type: Duplication.
Coding change: c.1111_1114dup on transcript NM_004086.3 (MANE Select); coding-DNA positions 1111 to 1114, 4 bases duplicated (CTAA; older notation c.1111_1114dupCTAA).
Protein change: p.Ile372fs; shifts the reading frame from isoleucine 372.
Molecular consequence: frameshift variant. On other transcripts: non-coding transcript variant (1).
Genome position (GRCh38, 1-based): chr14:30,885,946-30,885,949, CTAA duplicated. VCF-style (leftmost placement, unchanged base first): chr14-30885945-T-TCTAA. GRCh37 (hg19) VCF-style: chr14-31355151-T-TCTAA.
Other names: c.1111_1114dup, p.Ile372fs (NM_001135058.2); c.1306_1309dup, p.Ile437fs (NM_001347720.2); short protein forms I372fs, I437fs.
Identifiers: ClinVar variation 4713600 (VCV004713600.1).